The following is an entry in ClinVar:

NM_178452.6(DNAAF1):c.1555G>A (p.Glu519Lys)

Gene: DNAAF1 (dynein axonemal assembly factor 1; plus strand). Cytogenetic location: 16q24.1.
Variant type: single nucleotide variant.
Coding change: c.1555G>A on transcript NM_178452.6 (MANE Select); coding-DNA position 1555, G replaced by A.
Protein change: p.Glu519Lys; replaces glutamic acid 519 with lysine.
Molecular consequence: missense variant.
Genome position (GRCh38, 1-based): chr16:84,172,286, G>A. VCF-style: chr16-84172286-G-A. GRCh37 (hg19) VCF-style: chr16-84205892-G-A.
Other names: c.847G>A, p.Glu283Lys (NM_001318756.1); short protein forms E283K, E519K.
Identifiers: ClinVar variation 2052453 (VCV002052453.4), dbSNP rs1215609214, ClinGen allele CA396948983.
Genomic context (GRCh38, chr16:84,172,286, plus strand): 5'-TAAACTAACTCCAAGACTTGTTGTTGCTCTTTAGAACCGACTCCCCAGGCTGTGGCCACT[G>A]AGGGTGTATTCGTTACAGAACTTGATGGAACGAGAACGGAAGATTTAGAAACCATTAGAC-3'
Protein context (NP_848547.4, residues 509-529): EEPTPQAVAT[Glu519Lys]GVFVTELDGT

ClinVar aggregate classification (germline): Uncertain significance (1 of 4 stars; one submission).

Conditions:
Primary ciliary dyskinesia. Also called: Ciliary dyskinesia. Identifiers: Orphanet 244, MedGen C0008780, MONDO:0016575, HP:0012265.

Allele frequency attached by ClinVar (database versions not stated): TOPMed below 0.00001; gnomAD exomes 0.00001.
gnomAD v4.1: 7 of 1,614,208 alleles (0.00043%); highest among the groups gnomAD compares: South Asian, 0.0055%; no homozygotes.

Submission:

Labcorp Genetics (formerly Invitae), Labcorp
Classification: Uncertain significance for Primary ciliary dyskinesia. Last evaluated: 2022-07-27. Review status: criteria provided, single submitter. Criteria: Invitae Variant Classification Sherloc (09022015). Collection method: clinical testing. Allele origin: germline.
Comment: In summary, the available evidence is currently insufficient to determine the role of this variant in disease. Therefore, it has been classified as a Variant of Uncertain Significance. Algorithms developed to predict the effect of missense changes on protein structure and function are either unavailable or do not agree on the potential impact of this missense change (SIFT: "Tolerated"; PolyPhen-2: "Possibly Damaging"; Align-GVGD: "Class C0"). This variant has not been reported in the literature in individuals affected with DNAAF1-related conditions. This variant is present in population databases (no rsID available, gnomAD 0.01%). This sequence change replaces glutamic acid, which is acidic and polar, with lysine, which is basic and polar, at codon 519 of the DNAAF1 protein (p.Glu519Lys).